The following is an entry in ClinVar:

NM_004068.4(AP2M1):c.400A>G (p.Thr134Ala)

Gene: AP2M1 (adaptor related protein complex 2 subunit mu 1; plus strand). Cytogenetic location: 3q27.1.
Variant type: single nucleotide variant.
Coding change: c.400A>G on transcript NM_004068.4 (MANE Select); coding-DNA position 400, A replaced by G.
Protein change: p.Thr134Ala; replaces threonine 134 with alanine.
Molecular consequence: missense variant.
Genome position (GRCh38, 1-based): chr3:184,180,228, A>G. VCF-style: chr3-184180228-A-G. GRCh37 (hg19) VCF-style: chr3-183898016-A-G.
Other names: c.400A>G, p.Thr134Ala (NM_001025205.2); c.475A>G, p.Thr159Ala (NM_001311198.2); short protein forms T134A, T159A.
Identifiers: ClinVar variation 4070823 (VCV004070823.1).

ClinVar aggregate classification (germline): Uncertain significance (1 of 4 stars; one submission).

Submission:

GeneDx
Classification: Uncertain significance. Last evaluated: 2025-01-15. Review status: criteria provided, single submitter. Criteria: GeneDx Variant Classification Process June 2021. Collection method: clinical testing. Allele origin: germline. Affected: yes.
Comment: Not observed at significant frequency in large population cohorts (gnomAD); In silico analysis supports that this missense variant has a deleterious effect on protein structure/function; Has not been previously published as pathogenic or benign to our knowledge